The following is an entry in ClinVar:

NM_001099271.2(POC5):c.1231C>T (p.Pro411Ser)

Gene: POC5 (POC5 centriolar protein; minus strand). Cytogenetic location: 5q13.3.
Variant type: single nucleotide variant.
Coding change: c.1231C>T on transcript NM_001099271.2 (MANE Select); coding-DNA position 1231, C replaced by T.
Protein change: p.Pro411Ser; replaces proline 411 with serine.
Molecular consequence: missense variant.
Genome position (GRCh38, 1-based): chr5:75,685,383, G>A on the plus strand (C>T on the coding strand, the complement: POC5 is on the minus strand). VCF-style: chr5-75685383-G-A. GRCh37 (hg19) VCF-style: chr5-74981208-G-A.
Other names: c.1231C>T (NM_001099271.1); c.1156C>T, p.Pro386Ser (NM_152408.3); short protein forms P411S, P386S.
Identifiers: ClinVar variation 1422583 (VCV001422583.8), dbSNP rs200652341, ClinGen allele CA3310370.
Genomic context (GRCh38, chr5:75,685,383, plus strand): 5'-CAGTCGCGCTGGCTCCTCCGACGGCGGCTGGTGGGGATGGCAGCAGTGGTGATGTAACTG[G>A]TAAGGGCATCGGAGGAGCTGAAGGATCCAAATGAGCAGAATGTTCTTTTCCTTGAACACC-3'
Protein context (NP_001092741.1, residues 401-421): LDPSAPPMPL[Pro411Ser]VTSPLLPSPP

ClinVar aggregate classification (germline): Uncertain significance. Review status: criteria provided, multiple submitters, no conflicts (2 of 4 stars). 2 submissions from 2 submitters: Uncertain significance (2). Last evaluated 2025-11-04.

Allele frequency attached by ClinVar (database versions not stated): gnomAD exomes 0.00006 and 0.00008; ExAC 0.00007; ESP Exome Variant Server 0.00008; gnomAD 0.00011; TOPMed 0.00011.
gnomAD v4.1: 133 of 1,613,922 alleles (0.0082%); highest among the groups gnomAD compares: Non-Finnish European, 0.01%; no homozygotes.

Submissions (2):

Labcorp Genetics (formerly Invitae), Labcorp
Classification: Uncertain significance. Last evaluated: 2025-11-04. Review status: criteria provided, single submitter. Criteria: Invitae Variant Classification Sherloc (09022015). Collection method: clinical testing. Allele origin: germline.
Comment: This sequence change replaces proline, which is neutral and non-polar, with serine, which is neutral and polar, at codon 411 of the POC5 protein (p.Pro411Ser). This variant is present in population databases (rs200652341, gnomAD 0.01%). This variant has not been reported in the literature in individuals affected with POC5-related conditions. ClinVar contains an entry for this variant (Variation ID: 1422583). An algorithm developed to predict the effect of missense changes on protein structure and function outputs the following: PolyPhen-2: "Probably Damaging". The serine amino acid residue is found in multiple mammalian species, which suggests that this missense change does not adversely affect protein function. In summary, the available evidence is currently insufficient to determine the role of this variant in disease. Therefore, it has been classified as a Variant of Uncertain Significance.

Ambry Genetics
Classification: Uncertain significance. Last evaluated: 2024-08-14. Review status: criteria provided, single submitter. Criteria: Ambry Variant Classification Scheme 2023. Collection method: clinical testing. Allele origin: germline.